The following is an entry in ClinVar:

NM_015294.6(TRIM37):c.736A>G (p.Met246Val)

Gene: TRIM37 (tripartite motif containing 37; minus strand). Cytogenetic location: 17q22.
Variant type: single nucleotide variant.
Coding change: c.736A>G on transcript NM_015294.6 (MANE Select); coding-DNA position 736, A replaced by G.
Protein change: p.Met246Val; replaces methionine 246 with valine.
Molecular consequence: missense variant. On other transcripts: initiator codon variant (1), non-coding transcript variant (2).
Genome position (GRCh38, 1-based): chr17:59,070,896, T>C on the plus strand (A>G on the coding strand, the complement: TRIM37 is on the minus strand). VCF-style: chr17-59070896-T-C. GRCh37 (hg19) VCF-style: chr17-57148257-T-C.
Other names: c.736A>G, p.Met246Val (NM_001005207.5, NM_001320988.3, NM_001320989.3 and 2 more transcripts); c.634A>G, p.Met212Val (NM_001320987.3, NM_001353082.2); c.370A>G, p.Met124Val (NM_001320990.3); c.1A>G, p.Met1Val (NM_001353083.2); c.274A>G, p.Met92Val (NM_001353085.2); short protein forms M124V, M1V, M212V, M246V, M92V.
Identifiers: ClinVar variation 5038402 (VCV005038402.1).
Genomic context (GRCh38, chr17:59,070,896, plus strand): 5'-GTGGAACAGGAGTGGTAACAAAAGATGCCATGGGCTTCCGATGAACTTGCTGAAACATCA[T>C]AAGGATCTCTGAGCTCTTAGATATCAACTCACTCTTACTACAAGACCGCAACTGTGTGAG-3'
Protein context (NP_056109.1, residues 236-256): ELISKSSEIL[Met246Val]MFQQVHRKPM

ClinVar aggregate classification (germline): Uncertain significance (1 of 4 stars; one submission).

Conditions:
Mulibrey nanism syndrome. Also called: MUSCLE-LIVER-BRAIN-EYE NANISM; PERHEENTUPA SYNDROME; PERICARDIAL CONSTRICTION AND GROWTH FAILURE. Identifiers: Orphanet 2576, MedGen C0524582, MONDO:0009664, OMIM 253250.

Submission:

St. Jude Molecular Pathology, St. Jude Children's Research Hospital
Classification: Uncertain significance for Mulibrey nanism syndrome. Last evaluated: 2026-10-01. Review status: criteria provided, single submitter. Criteria: St. Jude Assertion Criteria 2020. Collection method: clinical testing. Allele origin: germline.
Comment: The TRIM37 c.736A>G p.(Met246Val) missense c hange is absent in gnomAD v2.1.1. The in silico tool REVEL predicts a benign effect on protein function, but this prediction has not been confirmed by functional studies. This variant has not been reported in individua ls with TRIM37-related disease. In summary, the evidence currently available is insufficient to determine the clinical significance of this variant. It has therefore been classified as of uncertain significance.